The following is an entry in ClinVar:

NM_001844.5(COL2A1):c.3631_3648dup (p.Pro1216_Gly1217insProGlyProProGlyPro)

Gene: COL2A1 (collagen type II alpha 1 chain; minus strand). Cytogenetic location: 12q13.11.
Variant type: Duplication.
Coding change: c.3631_3648dup on transcript NM_001844.5 (MANE Select); coding-DNA positions 3631 to 3648, 18 bases duplicated (CCAGGTCCCCCTGGCCCT).
Protein change: p.Pro1216_Gly1217insProGlyProProGlyPro.
Molecular consequence: inframe insertion.
Genome position (GRCh38, 1-based): chr12:47,975,555-47,975,572, AGGGCCAGGGGGACCTGG duplicated on the plus strand (CCAGGTCCCCCTGGCCCT on the coding strand, the reverse complement: COL2A1 is on the minus strand); duplicating any 18 consecutive bases within chr12:47,975,555-47,975,575 gives the same sequence; the c. name uses the placement nearest the transcript's 3' end. VCF-style (leftmost placement, unchanged base first): chr12-47975554-C-CAGGGCCAGGGGGACCTGG. GRCh37 (hg19) VCF-style: chr12-48369337-C-CAGGGCCAGGGGGACCTGG.
Other names: c.3424_3441dup, p.Pro1147_Gly1148insProGlyProProGlyPro (NM_033150.3).
Identifiers: ClinVar variation 2020786 (VCV002020786.4), dbSNP rs2540100756, ClinGen allele CA2580085672.

ClinVar aggregate classification (germline): Uncertain significance (1 of 4 stars; one submission).

Submission:

Labcorp Genetics (formerly Invitae), Labcorp
Classification: Uncertain significance. Last evaluated: 2022-07-30. Review status: criteria provided, single submitter. Criteria: Invitae Variant Classification Sherloc (09022015). Collection method: clinical testing. Allele origin: germline.
Comment: In summary, the available evidence is currently insufficient to determine the role of this variant in disease. Therefore, it has been classified as a Variant of Uncertain Significance. Algorithms developed to predict the effect of sequence changes on RNA splicing suggest that this variant may create or strengthen a splice site. This variant has not been reported in the literature in individuals affected with COL2A1-related conditions. This variant is not present in population databases (gnomAD no frequency). This variant, c.3631_3648dup, results in the insertion of 6 amino acid(s) of the COL2A1 protein (p.Pro1211_Pro1216dup), but otherwise preserves the integrity of the reading frame.